The following is an entry in ClinVar:

ClinVar aggregate classification (germline): Uncertain significance (1 of 4 stars; one submission).

Submission:

Labcorp Genetics (formerly Invitae), Labcorp
Classification: Uncertain significance. Last evaluated: 2024-07-31. Review status: criteria provided, single submitter. Criteria: Invitae Variant Classification Sherloc (09022015). Collection method: clinical testing. Allele origin: germline.
Comment: This sequence change replaces proline, which is neutral and non-polar, with leucine, which is neutral and non-polar, at codon 544 of the RNF31 protein (p.Pro544Leu). This variant is not present in population databases (gnomAD no frequency). This variant has not been reported in the literature in individuals affected with RNF31-related conditions. An algorithm developed to predict the effect of missense changes on protein structure and function (PolyPhen-2) suggests that this variant is likely to be tolerated. In summary, the available evidence is currently insufficient to determine the role of this variant in disease. Therefore, it has been classified as a Variant of Uncertain Significance.

NM_017999.5(RNF31):c.1631C>T (p.Pro544Leu)

Gene: RNF31 (ring finger protein 31; plus strand). Cytogenetic location: 14q12.
Variant type: single nucleotide variant.
Coding change: c.1631C>T on transcript NM_017999.5 (MANE Select); coding-DNA position 1631, C replaced by T.
Protein change: p.Pro544Leu; replaces proline 544 with leucine.
Molecular consequence: missense variant.
Genome position (GRCh38, 1-based): chr14:24,151,273, C>T. VCF-style: chr14-24151273-C-T. GRCh37 (hg19) VCF-style: chr14-24620482-C-T.
Other names: c.1178C>T, p.Pro393Leu (NM_001310332.2); short protein forms P393L, P544L.
Identifiers: ClinVar variation 3661092 (VCV003661092.2).